The following is an entry in ClinVar:

ClinVar aggregate classification (germline): Benign/Likely benign. Review status: criteria provided, multiple submitters, no conflicts (2 of 4 stars). 2 submissions from 2 submitters: Benign (1); Likely benign (1). Last evaluated 2025-02-16.

Conditions:
Leigh syndrome (NULS). Also called: Leigh's necrotizing encephalopathy; Leigh's disease; Leigh Syndrome (mtDNA deletion); Leigh Disease; Subacute necrotizing encephalopathy; Necrotizing encephalopathy infantile subacute of Leigh. Identifiers: Orphanet 506, MedGen C2931891, MONDO:0009723, OMIM 256000.

Submissions (2):

Laboratory of Genetics, Children's Clinical University Hospital Latvia
Classification: Likely benign. Last evaluated: 2025-02-16. Review status: criteria provided, single submitter. Criteria: ACMG Guidelines, 2015. Collection method: clinical testing. Allele origin: germline. Affected: yes.

Wong Mito Lab, Molecular and Human Genetics, Baylor College of Medicine
Classification: Benign for Leigh syndrome. Last evaluated: 2019-10-17. Review status: criteria provided, single submitter. Criteria: Modified ACMG Guidelines (Unpublished). Collection method: clinical testing. Allele origin: germline.
Comment: The NC_012920.1:m.7830G>A (YP_003024029.1:p.Arg82His) variant in MTCO2 gene is interpretated to be a Benign variant based on the modified ACMG guidelines (unpublished). This variant meets the following evidence codes: BS1, BS2

NC_012920.1(MT-CO2):m.7830G>A

Gene: MT-CO2 (mitochondrially encoded cytochrome c oxidase II; plus strand).
Variant type: single nucleotide variant.
Genome position: chrM-7830-G-A.
Identifiers: ClinVar variation 692784 (VCV000692784.2), dbSNP rs878897170, ClinGen allele CA337097705.